The following is an entry in ClinVar:

ClinVar aggregate classification (germline): Uncertain significance (1 of 4 stars; one submission).

Submission:

Labcorp Genetics (formerly Invitae), Labcorp
Classification: Uncertain significance. Last evaluated: 2024-12-06. Review status: criteria provided, single submitter. Criteria: Invitae Variant Classification Sherloc (09022015). Collection method: clinical testing. Allele origin: germline.
Comment: This sequence change replaces lysine, which is basic and polar, with glutamic acid, which is acidic and polar, at codon 286 of the IKZF1 protein (p.Lys286Glu). This variant is not present in population databases (gnomAD no frequency). This variant has not been reported in the literature in individuals affected with IKZF1-related conditions. An algorithm developed to predict the effect of missense changes on protein structure and function (PolyPhen-2) suggests that this variant is likely to be disruptive. In summary, the available evidence is currently insufficient to determine the role of this variant in disease. Therefore, it has been classified as a Variant of Uncertain Significance.

NM_006060.6(IKZF1):c.856A>G (p.Lys286Glu)

Gene: IKZF1 (IKAROS family zinc finger 1; plus strand). Cytogenetic location: 7p12.2.
Variant type: single nucleotide variant.
Coding change: c.856A>G on transcript NM_006060.6 (MANE Select); coding-DNA position 856, A replaced by G.
Protein change: p.Lys286Glu; replaces lysine 286 with glutamic acid.
Molecular consequence: missense variant.
Genome position (GRCh38, 1-based): chr7:50,399,923, A>G. VCF-style: chr7-50399923-A-G. GRCh37 (hg19) VCF-style: chr7-50467621-A-G.
Other names: c.730A>G, p.Lys244Glu (NM_001220765.3, NM_001291837.2); c.565A>G, p.Lys189Glu (NM_001220767.2); c.427A>G, p.Lys143Glu (NM_001291841.1, NM_001220771.2); c.397A>G, p.Lys133Glu (NM_001291842.1); c.595A>G, p.Lys199Glu (NM_001220768.2, NM_001291838.2); c.439A>G, p.Lys147Glu (NM_001220770.2); c.469A>G, p.Lys157Glu (NM_001291839.2); c.166A>G, p.Lys56Glu (NM_001291840.1); and 3 more; short protein forms K101E, K133E, K143E, K244E, K91E, K199E, K286E, K147E.
Identifiers: ClinVar variation 3678228 (VCV003678228.2).